The following is an entry in ClinVar:

ClinVar aggregate classification (germline): Uncertain significance (1 of 4 stars; one submission).

Submission:

CeGaT Center for Human Genetics Tuebingen
Classification: Uncertain significance. Last evaluated: 2022-07-01. Review status: criteria provided, single submitter. Criteria: CeGaT Center For Human Genetics Tuebingen Variant Classification Criteria Version 2. Collection method: clinical testing. Allele origin: germline. Affected: yes. Observed: 2 variant alleles.
Comment: KCNQ2: PM2

NM_172107.4(KCNQ2):c.1149-6_1149-5dup

Gene: KCNQ2 (potassium voltage-gated channel subfamily Q member 2; minus strand). Cytogenetic location: 20q13.33.
Variant type: Duplication.
Coding change: c.1149-6_1149-5dup on transcript NM_172107.4 (MANE Select); 6 bases into the intron before coding-DNA position 1149 through 5 bases into the intron before coding-DNA position 1149, 2 bases duplicated (CC; older notation c.1149-6_1149-5dupCC).
Molecular consequence: intron variant.
Genome position (GRCh38, 1-based): chr20:63,428,438-63,428,439, GG duplicated on the plus strand (CC on the coding strand, the reverse complement: KCNQ2 is on the minus strand); duplicating any 2 consecutive bases within chr20:63,428,438-63,428,441 gives the same sequence; the c. name uses the placement nearest the transcript's 3' end. VCF-style (leftmost placement, unchanged base first): chr20-63428437-T-TGG. GRCh37 (hg19) VCF-style: chr20-62059790-T-TGG.
Other names: c.1119-6_1119-5dup (NM_004518.6); c.1149-6_1149-5dup (NM_172108.5, NM_172106.3).
Identifiers: ClinVar variation 871422 (VCV000871422.41), dbSNP rs992228422, ClinGen allele CA1139666781.